The following is an entry in ClinVar:

ClinVar aggregate classification (germline): Uncertain significance (1 of 4 stars; one submission).

Conditions:
Cardiovascular phenotype. Identifiers: MedGen CN230736.

Submission:

Ambry Genetics
Classification: Uncertain significance for Cardiovascular phenotype. Last evaluated: 2026-08-31. Review status: criteria provided, single submitter. Criteria: Ambry Variant Classification Scheme 2023. Collection method: clinical testing. Allele origin: germline.
Comment: The p.A532S variant (also known as c.1594G>T), located in coding exon 13 of the DSP gene, results from a G to T substitution at nucleotide position 1594. The alanine at codon 532 is replaced by serine, an amino acid with similar properties. This amino acid position is conserved. In addition, the in silico prediction for this alteration is inconclusive. Based on the available evidence, the clinical significance of this variant remains unclear.

NM_004415.4(DSP):c.1594G>T (p.Ala532Ser)

Gene: DSP (desmoplakin; plus strand). Cytogenetic location: 6p24.3.
Variant type: single nucleotide variant.
Coding change: c.1594G>T on transcript NM_004415.4 (MANE Select); coding-DNA position 1594, G replaced by T.
Protein change: p.Ala532Ser; replaces alanine 532 with serine.
Molecular consequence: missense variant.
Genome position (GRCh38, 1-based): chr6:7,570,456, G>T. VCF-style: chr6-7570456-G-T. GRCh37 (hg19) VCF-style: chr6-7570689-G-T.
Other names: c.1594G>T, p.Ala532Ser (NM_001008844.3, NM_001319034.2); short protein forms A532S.
Identifiers: ClinVar variation 5035670 (VCV005035670.1).